The following is an entry in ClinVar:

NM_000878.5(IL2RB):c.203+1G>C

Gene: IL2RB (interleukin 2 receptor subunit beta; minus strand). Cytogenetic location: 22q12.3.
Variant type: single nucleotide variant.
Coding change: c.203+1G>C on transcript NM_000878.5 (MANE Select); the canonical splice donor site of the intron after coding-DNA position 203, G replaced by C.
Molecular consequence: splice donor variant.
Genome position (GRCh38, 1-based): chr22:37,143,520, C>G on the plus strand (G>C on the coding strand, the complement: IL2RB is on the minus strand). VCF-style: chr22-37143520-C-G. GRCh37 (hg19) VCF-style: chr22-37539560-C-G.
Other names: c.203+1G>C (NM_001346222.1, NM_001346223.2).
Identifiers: ClinVar variation 2029906 (VCV002029906.4), dbSNP rs2517844908, ClinGen allele CA411429415.
Genomic context (GRCh38, chr22:37,143,520, plus strand): 5'-TAGGATCCAGAATATGAGATCCCACCATCCTAAGATTCTGCAGTGTGGCCAGTGGACTCA[C>G]CGTCTGTCCGGCCAGGCATGGACTTGGCAGGAAGTGTCCTGCAGAGCCCCATCTTGGCTC-3'

ClinVar aggregate classification (germline): Likely pathogenic (1 of 4 stars; one submission).

Submission:

Labcorp Genetics (formerly Invitae), Labcorp
Classification: Likely pathogenic. Last evaluated: 2022-09-10. Review status: criteria provided, single submitter. Criteria: Invitae Variant Classification Sherloc (09022015). Collection method: clinical testing. Allele origin: germline.
Comment: This variant has not been reported in the literature in individuals affected with IL2RB-related conditions. This variant is not present in population databases (gnomAD no frequency). This sequence change affects a donor splice site in intron 3 of the IL2RB gene. It is expected to disrupt RNA splicing. Variants that disrupt the donor or acceptor splice site typically lead to a loss of protein function (PMID: 16199547), and loss-of-function variants in IL2RB are known to be pathogenic (PMID: 31040185). Algorithms developed to predict the effect of sequence changes on RNA splicing suggest that this variant may disrupt the consensus splice site. In summary, the currently available evidence indicates that the variant is pathogenic, but additional data are needed to prove that conclusively. Therefore, this variant has been classified as Likely Pathogenic.

Literature cited by the submitters: PubMed 16199547; PubMed 31040185.